The following is an entry in ClinVar:

ClinVar aggregate classification (germline): Pathogenic (1 of 4 stars; one submission).

Submission:

Labcorp Genetics (formerly Invitae), Labcorp
Classification: Pathogenic. Last evaluated: 2025-08-29. Review status: criteria provided, single submitter. Criteria: Invitae Variant Classification Sherloc (09022015). Collection method: clinical testing. Allele origin: germline.
Comment: This sequence change creates a premature translational stop signal (p.Ser507*) in the SCNN1A gene. It is expected to result in an absent or disrupted protein product. Loss-of-function variants in SCNN1A are known to be pathogenic (PMID: 10403853, 23416952). This variant is not present in population databases (gnomAD no frequency). This variant has not been reported in the literature in individuals affected with SCNN1A-related conditions. For these reasons, this variant has been classified as Pathogenic.

Literature cited by the submitters: PubMed 10403853; PubMed 23416952.

NM_001038.6(SCNN1A):c.1520C>A (p.Ser507Ter)

Gene: SCNN1A (sodium channel epithelial 1 subunit alpha; minus strand). Cytogenetic location: 12p13.31.
Variant type: single nucleotide variant.
Coding change: c.1520C>A on transcript NM_001038.6 (MANE Select); coding-DNA position 1520, C replaced by A.
Protein change: p.Ser507Ter; replaces serine 507 with a stop codon.
Molecular consequence: nonsense.
Genome position (GRCh38, 1-based): chr12:6,348,983, G>T on the plus strand (C>A on the coding strand, the complement: SCNN1A is on the minus strand). VCF-style: chr12-6348983-G-T. GRCh37 (hg19) VCF-style: chr12-6458149-G-T.
Other names: c.1589C>A, p.Ser530Ter (NM_001159575.2); c.1697C>A, p.Ser566Ter (NM_001159576.2); short protein forms S507*, S530*, S566*.
Identifiers: ClinVar variation 4761737 (VCV004761737.1).